The following is an entry in ClinVar:

ClinVar aggregate classification (germline): Uncertain significance (1 of 4 stars; one submission).

gnomAD v4.1: 2 of 1,208,808 alleles (0.00017%); no homozygotes.

Submission:

GeneDx
Classification: Uncertain significance. Last evaluated: 2020-10-01. Review status: criteria provided, single submitter. Criteria: GeneDx Variant Classification Process June 2021. Collection method: clinical testing. Allele origin: germline. Affected: yes.
Comment: Has not been previously published as pathogenic or benign to our knowledge; Not observed in large population cohorts (Lek et al., 2016); In silico analysis, which includes protein predictors and evolutionary conservation, supports that this variant does not alter protein structure/function

NM_004606.5(TAF1):c.4197T>G (p.Asp1399Glu)

Gene: TAF1 (TATA-box binding protein associated factor 1; plus strand). Cytogenetic location: Xq13.1.
Variant type: single nucleotide variant.
Coding change: c.4197T>G on transcript NM_004606.5 (MANE Select); coding-DNA position 4197, T replaced by G.
Protein change: p.Asp1399Glu; replaces aspartic acid 1399 with glutamic acid.
Molecular consequence: missense variant. On other transcripts: non-coding transcript variant (9).
Genome position (GRCh38, 1-based): chrX:71,407,663, T>G. VCF-style: chrX-71407663-T-G. GRCh37 (hg19) VCF-style: chrX-70627513-T-G.
Other names: c.4197T>G, p.Asp1399Glu (NM_001286074.2); c.4134T>G, p.Asp1378Glu (NM_138923.4); short protein forms D1378E, D1399E.
Identifiers: ClinVar variation 1306238 (VCV001306238.2), dbSNP rs2148485581, ClinGen allele CA413536657.